The following is an entry in ClinVar:

ClinVar aggregate classification (germline): Uncertain significance. Review status: criteria provided, multiple submitters, no conflicts (2 of 4 stars). 2 submissions from 2 submitters: Uncertain significance (2). Last evaluated 2026-01-04.

Conditions:
Brugada syndrome 8 (BRGDA8). Identifiers: Orphanet 130, MedGen C2751083, MONDO:0013148, OMIM 613123.
Cardiovascular phenotype. Identifiers: MedGen CN230736.

Allele frequency attached by ClinVar (database versions not stated): ExAC 0.00001.
gnomAD v4.1: 6 of 1,612,492 alleles (0.00037%); highest among the groups gnomAD compares: Non-Finnish European, 0.00051%; no homozygotes.

Submissions (2):

Labcorp Genetics (formerly Invitae), Labcorp
Classification: Uncertain significance for Brugada syndrome 8. Last evaluated: 2026-01-04. Review status: criteria provided, single submitter. Criteria: Invitae Variant Classification Sherloc (09022015). Collection method: clinical testing. Allele origin: germline.
Comment: This sequence change replaces methionine, which is neutral and non-polar, with leucine, which is neutral and non-polar, at codon 214 of the HCN4 protein (p.Met214Leu). This variant is present in population databases (rs762586116, gnomAD 0.0009%). This variant has not been reported in the literature in individuals affected with HCN4-related conditions. ClinVar contains an entry for this variant (Variation ID: 1753366). Invitae Evidence Modeling of protein sequence and biophysical properties (such as structural, functional, and spatial information, amino acid conservation, physicochemical variation, residue mobility, and thermodynamic stability) indicates that this missense variant is not expected to disrupt HCN4 protein function with a negative predictive value of 95%. In summary, the available evidence is currently insufficient to determine the role of this variant in disease. Therefore, it has been classified as a Variant of Uncertain Significance.

Ambry Genetics
Classification: Uncertain significance for Cardiovascular phenotype. Last evaluated: 2022-03-25. Review status: criteria provided, single submitter. Criteria: Ambry Variant Classification Scheme 2023. Collection method: clinical testing. Allele origin: germline.
Comment: The p.M214L variant (also known as c.640A>T), located in coding exon 1 of the HCN4 gene, results from an A to T substitution at nucleotide position 640. The methionine at codon 214 is replaced by leucine, an amino acid with highly similar properties. This amino acid position is conserved. In addition, the in silico prediction for this alteration is inconclusive. Since supporting evidence is limited at this time, the clinical significance of this alteration remains unclear.

NM_005477.3(HCN4):c.640A>T (p.Met214Leu)

Gene: HCN4 (hyperpolarization activated cyclic nucleotide gated potassium channel 4; minus strand). Cytogenetic location: 15q24.1.
Variant type: single nucleotide variant.
Coding change: c.640A>T on transcript NM_005477.3 (MANE Select); coding-DNA position 640, A replaced by T.
Protein change: p.Met214Leu; replaces methionine 214 with leucine.
Molecular consequence: missense variant.
Genome position (GRCh38, 1-based): chr15:73,367,631, T>A on the plus strand (A>T on the coding strand, the complement: HCN4 is on the minus strand). VCF-style: chr15-73367631-T-A. GRCh37 (hg19) VCF-style: chr15-73659972-T-A.
Other names: short protein forms M214L.
Identifiers: ClinVar variation 1753366 (VCV001753366.3), dbSNP rs762586116, ClinGen allele CA7649445.
Genomic context (GRCh38, chr15:73,367,631, plus strand): 5'-ACATCCTTAGGGAGAATTTGTTGACCCCGGGTTGGAGCATGGCCCCGAACTGGCGCTGCA[T>A]GAAGCCGGCCTGGCCCAGGCGCACCTCGGCCTCCGGGAGGATCTGGTCGCCGGCAGCCGC-3'
Protein context (NP_005468.1, residues 204-224): AEVRLGQAGF[Met214Leu]QRQFGAMLQP